The following is an entry in ClinVar:

ClinVar aggregate classification (germline): Conflicting classifications of pathogenicity. Review status: criteria provided, conflicting classifications (1 of 4 stars). 3 submissions from 3 submitters: Likely pathogenic (1); Uncertain significance (1). 1 of the submissions does not count toward it. Last evaluated 2024-10-18.

Conditions:
Dilated cardiomyopathy 1G (CMD1G). Identifiers: Orphanet 154, MedGen C1858763, MONDO:0011400, OMIM 604145.
Autosomal recessive limb-girdle muscular dystrophy type 2J (LGMDR10). Also called: Limb-girdle muscular dystrophy, type 2J; MUSCULAR DYSTROPHY, LIMB-GIRDLE, AUTOSOMAL RECESSIVE 10. Identifiers: Orphanet 140922, MedGen C1837342, MONDO:0012127, OMIM 608807.
TTN-related disorder. Also called: TTN-related condition; TTN-related disease; TTN-related disorders.

Submissions (3):

Labcorp Genetics (formerly Invitae), Labcorp
Classification: Likely pathogenic for Dilated cardiomyopathy 1G; Autosomal recessive limb-girdle muscular dystrophy type 2J. Last evaluated: 2024-10-18. Review status: criteria provided, single submitter. Criteria: Invitae Variant Classification Sherloc (09022015). Collection method: clinical testing. Allele origin: germline.
Comment: This sequence change creates a premature translational stop signal (p.Gln2548*) in the TTN gene. While this is not anticipated to result in nonsense mediated decay, it is expected to create a truncated TTN protein. This variant is not present in population databases (gnomAD no frequency). This variant has not been reported in the literature in individuals affected with TTN-related conditions. ClinVar contains an entry for this variant (Variation ID: 166307). This variant is located in the I band of TTN (PMID: 25589632). Truncating variants in this region have been reported in individuals affected with autosomal recessive centronuclear myopathy (PMID: 23975875, internal data). Truncating variants in this region have also been identified in individuals affected with autosomal dominant dilated cardiomyopathy and/or cardio-related conditions (PMID: 27869827, 32964742, internal data). In summary, the currently available evidence indicates that the variant is pathogenic, but additional data are needed to prove that conclusively. Therefore, this variant has been classified as Likely Pathogenic.

Laboratory for Molecular Medicine, Mass General Brigham Personalized Medicine
Classification: Uncertain significance. Last evaluated: 2014-10-10. Review status: criteria provided, single submitter. Criteria: LMM Criteria. Collection method: clinical testing. Allele origin: germline. Observed: 1 variant allele.
Comment: Variant classified as Uncertain Significance - Favor Pathogenic. The p.Gln2548X variant in TTN gene has not been previously reported in individuals with cardiom yopathy or in large population studies. This nonsense variant leads to a prematu re termination codon at position 2548, which is predicted to lead to a truncated or absent protein. However, variants in the I-band of the TTN gene, where this variant is located, occur at a greater frequency in controls than in individuals with DCM (Pugh 2014). This decreases the likelihood, but does not eliminate the possibility that this variant has a role in disease. In summary, while there is some suspicion for a pathogenic role, the clinical significance of the p.Gln254 8X variant is uncertain.

PreventionGenetics, part of Exact Sciences
Classification: Likely pathogenic for TTN-related condition. Last evaluated: 2024-01-16. Review status: no assertion criteria provided. Collection method: clinical testing. Allele origin: germline. Not counted in ClinVar's aggregate classification.
Comment: The TTN c.7642C>T variant is predicted to result in premature protein termination (p.Gln2548*). This variant occurs within the I-band region of the titin protein. RNAseq studies from heart tissue indicate this exon is commonly included in TTN mRNA transcripts (PSI of 100%, Roberts AM et al. 2015. PubMed ID: 25589632). TTN truncating variants are reported in 1-2% of presumably healthy individuals, but occur more frequently in exons with low PSI values (Roberts AM et al. 2015. PubMed ID: 25589632; Herman DS et al. 2012. PubMed ID: 22335739). To our knowledge, this variant has not been reported in the literature or in a large population database, indicating this variant is rare. Of note, truncating TTN variants in constitutive exons (PSI > 90%) are significantly associated with dilated cardiomyopathy (DCM) irrespective of their position in TTN (Schafer S et al. 2017. PubMed ID: 27869827). In addition, truncating TTN variants have also been associated with autosomal recessive congenital myopathy (Ceyhan-Birsoy O et al. 2013. PubMed ID: 23975875). Therefore, the c.7642C>T (p.Gln2548*) variant is interpreted as likely pathogenic for recessive and dominant TTN-related disorders.

Literature cited by the submitters: PubMed 25589632 (cited by Labcorp Genetics (formerly Invitae), Labcorp); PubMed 23975875 (cited by Labcorp Genetics (formerly Invitae), Labcorp); PubMed 27869827 (cited by Labcorp Genetics (formerly Invitae), Labcorp); PubMed 32964742 (cited by Labcorp Genetics (formerly Invitae), Labcorp).

NM_001267550.2(TTN):c.7642C>T (p.Gln2548Ter)

Gene: TTN (titin; minus strand). Cytogenetic location: 2q31.2.
Variant type: single nucleotide variant.
Coding change: c.7642C>T on transcript NM_001267550.2 (MANE Select); coding-DNA position 7642, C replaced by T.
Protein change: p.Gln2548Ter; replaces glutamine 2548 with a stop codon.
Molecular consequence: nonsense.
Genome position (GRCh38, 1-based): chr2:178,773,322, G>A on the plus strand (C>T on the coding strand, the complement: TTN is on the minus strand). VCF-style: chr2-178773322-G-A. GRCh37 (hg19) VCF-style: chr2-179638049-G-A.
Other names: c.7642C>T, p.Gln2548Ter (NM_133378.4, NM_001256850.1, NM_133379.5); c.7504C>T, p.Gln2502Ter (NM_003319.4, NM_133432.3, NM_133437.4); short protein forms Q2548*, Q2502*.
Identifiers: ClinVar variation 166307 (VCV000166307.16), dbSNP rs727503688, ClinGen allele CA179261.